The following is an entry in ClinVar:

NM_021098.3(CACNA1H):c.5501C>T (p.Ala1834Val)

Gene: CACNA1H (calcium voltage-gated channel subunit alpha1 H; plus strand). Cytogenetic location: 16p13.3.
Variant type: single nucleotide variant.
Coding change: c.5501C>T on transcript NM_021098.3 (MANE Select); coding-DNA position 5501, C replaced by T.
Protein change: p.Ala1834Val; replaces alanine 1834 with valine.
Molecular consequence: missense variant.
Genome position (GRCh38, 1-based): chr16:1,218,265, C>T. VCF-style: chr16-1218265-C-T. GRCh37 (hg19) VCF-style: chr16-1268265-C-T.
Other names: c.5483C>T, p.Ala1828Val (NM_001005407.2); short protein forms A1828V, A1834V.
Identifiers: ClinVar variation 1976907 (VCV001976907.6), dbSNP rs1374392899, ClinGen allele CA394147314.

ClinVar aggregate classification (germline): Uncertain significance. Review status: criteria provided, multiple submitters, no conflicts (2 of 4 stars). 2 submissions from 2 submitters: Uncertain significance (2). Last evaluated 2026-02-03.

Conditions:
Idiopathic generalized epilepsy. Also called: Generalised epilepsy; EIG. Identifiers: MedGen C0270850, MONDO:0005579, OMIM 600669.
Hyperaldosteronism, familial, type IV (HALD4). Also called: FH IV; ALDOSTERONISM, PRIMARY, AND HYPERTENSION. Identifiers: Orphanet 642671, MedGen C4310756, MONDO:0014875, OMIM 617027.

Allele frequency attached by ClinVar (database versions not stated): gnomAD exomes below 0.00001; gnomAD 0.00001; TOPMed 0.00001.
gnomAD v4.1: 3 of 1,551,386 alleles (0.00019%); highest among the groups gnomAD compares: African/African-American, 0.0027%; no homozygotes.

Submissions (2):

Women's Health and Genetics/Laboratory Corporation of America, LabCorp
Classification: Uncertain significance. Last evaluated: 2026-02-03. Review status: criteria provided, single submitter. Criteria: LabCorp Variant Classification Summary - May 2015. Collection method: clinical testing. Allele origin: germline.
Comment: Variant summary: CACNA1H c.5501C>T (p.Ala1834Val) results in a non-conservative amino acid change in the encoded protein sequence. Algorithms developed to predict the effect of missense changes on protein structure and function are either unavailable or do not agree on the potential impact of this missense change. The variant allele was found at a frequency of 6.3e-06 in 158170 control chromosomes. The available data on variant occurrences in the general population are insufficient to allow any conclusion about variant significance. To our knowledge, no occurrence of c.5501C>T in individuals affected with CACNA1H-related conditions and no experimental evidence demonstrating its impact on protein function have been reported. ClinVar contains an entry for this variant (Variation ID: 1976907). Based on the evidence outlined above, the variant was classified as uncertain significance.

Labcorp Genetics (formerly Invitae), Labcorp
Classification: Uncertain significance for Idiopathic generalized epilepsy; Hyperaldosteronism, familial, type IV. Last evaluated: 2025-06-22. Review status: criteria provided, single submitter. Criteria: Invitae Variant Classification Sherloc (09022015). Collection method: clinical testing. Allele origin: germline.
Comment: This sequence change replaces alanine, which is neutral and non-polar, with valine, which is neutral and non-polar, at codon 1834 of the CACNA1H protein (p.Ala1834Val). The frequency data for this variant in the population databases is considered unreliable, as metrics indicate poor data quality at this position in the gnomAD database. This variant has not been reported in the literature in individuals affected with CACNA1H-related conditions. ClinVar contains an entry for this variant (Variation ID: 1976907). Invitae Evidence Modeling of protein sequence and biophysical properties (such as structural, functional, and spatial information, amino acid conservation, physicochemical variation, residue mobility, and thermodynamic stability) indicates that this missense variant is not expected to disrupt CACNA1H protein function with a negative predictive value of 80%. In summary, the available evidence is currently insufficient to determine the role of this variant in disease. Therefore, it has been classified as a Variant of Uncertain Significance.